The following is an entry in ClinVar:

NM_003114.5(SPAG1):c.126T>G (p.Ile42Met)

Gene: SPAG1 (sperm associated antigen 1; plus strand). Cytogenetic location: 8q22.2.
Variant type: single nucleotide variant.
Coding change: c.126T>G on transcript NM_003114.5 (MANE Select); coding-DNA position 126, T replaced by G.
Protein change: p.Ile42Met; replaces isoleucine 42 with methionine.
Molecular consequence: missense variant.
Genome position (GRCh38, 1-based): chr8:100,162,406, T>G. VCF-style: chr8-100162406-T-G. GRCh37 (hg19) VCF-style: chr8-101174634-T-G.
Other names: c.126T>G, p.Ile42Met (NM_001374321.1, NM_172218.3); short protein forms I42M.
Identifiers: ClinVar variation 2163612 (VCV002163612.2), dbSNP rs2489271595, ClinGen allele CA371819505.

ClinVar aggregate classification (germline): Uncertain significance (1 of 4 stars; one submission).

Conditions:
Primary ciliary dyskinesia 28. Also called: CILIARY DYSKINESIA, PRIMARY, 28, WITH OR WITHOUT SITUS INVERSUS. Identifiers: Orphanet 244, MedGen C3809706, MONDO:0014216, OMIM 615505.

gnomAD v4.1: 8 of 1,582,608 alleles (0.00051%); highest among the groups gnomAD compares: Non-Finnish European, 0.00051%; no homozygotes.

Submission:

Labcorp Genetics (formerly Invitae), Labcorp
Classification: Uncertain significance for Primary ciliary dyskinesia 28. Last evaluated: 2023-12-06. Review status: criteria provided, single submitter. Criteria: Invitae Variant Classification Sherloc (09022015). Collection method: clinical testing. Allele origin: germline.
Comment: This sequence change replaces isoleucine, which is neutral and non-polar, with methionine, which is neutral and non-polar, at codon 42 of the SPAG1 protein (p.Ile42Met). This variant is not present in population databases (gnomAD no frequency). This variant has not been reported in the literature in individuals affected with SPAG1-related conditions. ClinVar contains an entry for this variant (Variation ID: 2163612). Advanced modeling of protein sequence and biophysical properties (such as structural, functional, and spatial information, amino acid conservation, physicochemical variation, residue mobility, and thermodynamic stability) performed at Invitae indicates that this missense variant is expected to disrupt SPAG1 protein function with a positive predictive value of 80%. In summary, the available evidence is currently insufficient to determine the role of this variant in disease. Therefore, it has been classified as a Variant of Uncertain Significance.